The following is an entry in ClinVar:

ClinVar aggregate classification (germline): Uncertain significance (1 of 4 stars; one submission).

gnomAD v4.1: 1 of 1,251,324 alleles (0.00008%); highest among the groups gnomAD compares: African/African-American, 0.0016%; no homozygotes.

Submission:

GeneDx
Classification: Uncertain significance. Last evaluated: 2024-10-10. Review status: criteria provided, single submitter. Criteria: GeneDx Variant Classification Process June 2021. Collection method: clinical testing. Allele origin: germline. Affected: yes.
Comment: Not observed at significant frequency in large population cohorts (gnomAD); In silico analysis indicates that this missense variant does not alter protein structure/function; Has not been previously published as pathogenic or benign to our knowledge

NM_000170.3(GLDC):c.38G>T (p.Gly13Val)

Gene: GLDC (glycine decarboxylase; minus strand). Cytogenetic location: 9p24.1.
Variant type: single nucleotide variant.
Coding change: c.38G>T on transcript NM_000170.3 (MANE Select); coding-DNA position 38, G replaced by T.
Protein change: p.Gly13Val; replaces glycine 13 with valine.
Molecular consequence: missense variant.
Genome position (GRCh38, 1-based): chr9:6,645,462, C>A on the plus strand (G>T on the coding strand, the complement: GLDC is on the minus strand). VCF-style: chr9-6645462-C-A. GRCh37 (hg19) VCF-style: chr9-6645462-C-A.
Other names: short protein forms G13V.
Identifiers: ClinVar variation 3777553 (VCV003777553.1).
Genomic context (GRCh38, chr9:6,645,462, plus strand): 5'-CGCGGCGCCCAGCACGGCCCCGATCCCCCAGCCAGGCGGCGGCCGCCCCCGACCCCGCGG[C>A]CCAGGCGCAGCCCCCACGCCCTGGCACAGGACTGCATGGCCGCGGCCACCGTCCCCTGCC-3'
Protein context (NP_000161.2, residues 3-23): SCARAWGLRL[Gly13Val]RGVGGGRRLA